The following is an entry in ClinVar:

ClinVar aggregate classification (germline): Pathogenic/Likely pathogenic. Review status: criteria provided, multiple submitters, no conflicts (2 of 4 stars). 2 submissions from 2 submitters: Pathogenic (1); Likely pathogenic (1). Last evaluated 2023-10-29.

Conditions:
Intellectual developmental disorder, X-linked 99, syndromic, female-restricted. Also called: Intellectual disability, X-linked 99, syndromic, female-restricted. Identifiers: MedGen C4225416, MONDO:0010502, OMIM 300968.

Submissions (2):

3billion
Classification: Likely pathogenic for Intellectual developmental disorder, X-linked 99, syndromic, female-restricted. Last evaluated: 2023-10-29. Review status: criteria provided, single submitter. Criteria: ACMG Guidelines, 2015. Collection method: clinical testing. Allele origin: germline. Affected: yes.
Comment: The variant is not observed in the gnomAD v2.1.1 dataset. Predicted Consequence/Location: Stop-gained (nonsense): predicted to result in a loss or disruption of normal protein function through nonsense-mediated decay (NMD) or protein truncation. Multiple pathogenic variants are reported downstream of the variant. Therefore, this variant is classified as Likely pathogenic according to the recommendation of ACMG/AMP guideline.

Institute of Human Genetics, Clinical Exome/Genome Diagnostics Group, University Hospital Bonn
Classification: Pathogenic for Intellectual developmental disorder, X-linked 99, syndromic, female-restricted. Last evaluated: 2023-10-23. Review status: criteria provided, single submitter. Criteria: ACMG Guidelines, 2015. Collection method: clinical testing. Allele origin: de novo. Affected: yes.

NM_001039591.3(USP9X):c.7096C>T (p.Arg2366Ter)

Gene: USP9X (ubiquitin specific peptidase 9 X-linked; plus strand). Cytogenetic location: Xp11.4.
Variant type: single nucleotide variant.
Coding change: c.7096C>T on transcript NM_001039591.3 (MANE Select); coding-DNA position 7096, C replaced by T.
Protein change: p.Arg2366Ter; replaces arginine 2366 with a stop codon.
Molecular consequence: nonsense.
Genome position (GRCh38, 1-based): chrX:41,229,287, C>T. VCF-style: chrX-41229287-C-T. GRCh37 (hg19) VCF-style: chrX-41088540-C-T.
Other names: c.7096C>T, p.Arg2366Ter (NM_001039590.3); c.7111C>T, p.Arg2371Ter (NM_001410748.1, NM_001410749.1); short protein forms R2366*, R2371*.
Identifiers: ClinVar variation 2691016 (VCV002691016.2), dbSNP rs2519412851, ClinGen allele CA412751911.
Genomic context (GRCh38, chrX:41,229,287, plus strand): 5'-TTATTTTATATCTGGTTCTCTTTCAGAATTCATAATGCACTGAAAGGAATTCCAGATGAC[C>T]GAGATGGGCTGTTTGACACAATCCAGCGCTCTAAGAATCACTATCAAAAAAGAGCATACC-3'